The following is an entry in ClinVar:

NM_005235.3(ERBB4):c.62A>G (p.Gln21Arg)

Gene: ERBB4 (erb-b2 receptor tyrosine kinase 4; minus strand). Cytogenetic location: 2q34.
Variant type: single nucleotide variant.
Coding change: c.62A>G on transcript NM_005235.3 (MANE Select); coding-DNA position 62, A replaced by G.
Protein change: p.Gln21Arg; replaces glutamine 21 with arginine.
Molecular consequence: missense variant.
Genome position (GRCh38, 1-based): chr2:212,538,469, T>C on the plus strand (A>G on the coding strand, the complement: ERBB4 is on the minus strand). VCF-style: chr2-212538469-T-C. GRCh37 (hg19) VCF-style: chr2-213403193-T-C.
Other names: c.62A>G, p.Gln21Arg (NM_001042599.2); short protein forms Q21R.
Identifiers: ClinVar variation 2132247 (VCV002132247.4), dbSNP rs2106366103, ClinGen allele CA350783962.

ClinVar aggregate classification (germline): Uncertain significance (1 of 4 stars; one submission).

Submission:

Labcorp Genetics (formerly Invitae), Labcorp
Classification: Uncertain significance. Last evaluated: 2022-08-15. Review status: criteria provided, single submitter. Criteria: Invitae Variant Classification Sherloc (09022015). Collection method: clinical testing. Allele origin: germline.
Comment: This sequence change replaces glutamine, which is neutral and polar, with arginine, which is basic and polar, at codon 21 of the ERBB4 protein (p.Gln21Arg). This variant is not present in population databases (gnomAD no frequency). In summary, the available evidence is currently insufficient to determine the role of this variant in disease. Therefore, it has been classified as a Variant of Uncertain Significance. Algorithms developed to predict the effect of missense changes on protein structure and function output the following: SIFT: "Tolerated"; PolyPhen-2: "Benign"; Align-GVGD: "Class C0". The arginine amino acid residue is found in multiple mammalian species, which suggests that this missense change does not adversely affect protein function. This variant has not been reported in the literature in individuals affected with ERBB4-related conditions.